The following is an entry in ClinVar:

ClinVar aggregate classification (germline): Pathogenic/Likely pathogenic. Review status: criteria provided, multiple submitters, no conflicts (2 of 4 stars). 5 submissions from 5 submitters: Pathogenic (3); Likely pathogenic (1). 1 of the submissions does not count toward it. Last evaluated 2025-12-07.

Conditions:
ABCA4-related disorder. Also called: ABCA4-related condition; ABCA4-related disorders. Identifiers: MedGen CN239167.
Retinal dystrophy. Also called: Inherited retinal dystrophy. Identifiers: Orphanet 71862, MedGen C0854723, MeSH D058499, MONDO:0019118, HP:0000556.
Severe early-childhood-onset retinal dystrophy (STGD1). Also called: Stargardt macular dystrophy; Juvenile onset macular degeneration; Stargardt disease 1; STGD; MACULAR DYSTROPHY WITH FLECKS, TYPE 1. Identifiers: Orphanet 364055, Orphanet 827, MedGen C1855465, MeSH D000080362, MONDO:0009549, OMIM 248200.

Submissions (5):

Research Institute for Ophthalmology and Vision Science, Shahid Beheshti University of Medical Sciences
Classification: Pathogenic for Severe early-childhood-onset retinal dystrophy. Last evaluated: 2025-12-07. Review status: criteria provided, single submitter. Criteria: ACMG Guidelines, 2015. Collection method: research. Allele origin: inherited. Inheritance: Autosomal recessive inheritance. Affected: yes.
Comment: This variant is a null variant that is absent from the gnomAD databases.

Labcorp Genetics (formerly Invitae), Labcorp
Classification: Pathogenic. Last evaluated: 2024-05-19. Review status: criteria provided, single submitter. Criteria: Invitae Variant Classification Sherloc (09022015). Collection method: clinical testing. Allele origin: germline.
Comment: This sequence change creates a premature translational stop signal (p.Glu905Argfs*27) in the ABCA4 gene. It is expected to result in an absent or disrupted protein product. Loss-of-function variants in ABCA4 are known to be pathogenic (PMID: 10958761, 24938718, 25312043, 26780318). This variant is not present in population databases (gnomAD no frequency). This premature translational stop signal has been observed in individual(s) with retinal dystrophy (PMID: 23769331). ClinVar contains an entry for this variant (Variation ID: 224755). For these reasons, this variant has been classified as Pathogenic.

Palindrome, Gene Kavoshgaran Aria
Classification: Pathogenic for Severe early-childhood-onset retinal dystrophy. Last evaluated: 2023-08-15. Review status: criteria provided, single submitter. Criteria: ACMG Guidelines, 2015. Collection method: clinical testing. Allele origin: germline. Inheritance: Autosomal recessive inheritance. Affected: yes. Observed: 4 homozygotes. Clinical features observed: Visual impairment (HP:0000505), Macular degeneration (HP:0000608), Retinal disorder (HP:0000488), Retinal degeneration (HP:0000546), Hearing impairment (HP:0000365).

Genomic Research Center, Shahid Beheshti University of Medical Sciences
Classification: Likely pathogenic for ABCA4-Related Disorders. Last evaluated: 2019-01-01. Review status: criteria provided, single submitter. Criteria: ACMG Guidelines, 2015. Collection method: clinical testing. Allele origin: unknown. Affected: yes. Observed: 1 variant allele.

Centre for Genomic Medicine, Manchester, Central Manchester University Hospitals
Classification: Likely pathogenic for Retinal dystrophy. Last evaluated: 2015-01-30. Review status: no assertion criteria provided. Collection method: clinical testing. Allele origin: germline. Affected: yes. Not counted in ClinVar's aggregate classification.

Literature cited by the submitters: PubMed 23769331 (cited by Research Institute for Ophthalmology and Vision Science, Shahid Beheshti University of Medical Sciences and Labcorp Genetics (formerly Invitae), Labcorp); PubMed 10958761 (cited by Labcorp Genetics (formerly Invitae), Labcorp); PubMed 24938718 (cited by Labcorp Genetics (formerly Invitae), Labcorp); PubMed 25312043 (cited by Labcorp Genetics (formerly Invitae), Labcorp); PubMed 26780318 (cited by Labcorp Genetics (formerly Invitae), Labcorp); PubMed 26872967 (cited by Centre for Genomic Medicine, Manchester, Central Manchester University Hospitals).

NM_000350.3(ABCA4):c.2713del (p.Glu905fs)

Gene: ABCA4 (ATP binding cassette subfamily A member 4; minus strand). Cytogenetic location: 1p22.1.
Variant type: Deletion.
Coding change: c.2713del on transcript NM_000350.3 (MANE Select); coding-DNA position 2713, one base deleted (G; older notation c.2713delG).
Protein change: p.Glu905fs; shifts the reading frame from glutamic acid 905.
Molecular consequence: frameshift variant.
Genome position (GRCh38, 1-based): chr1:94,048,898, C deleted on the plus strand (G on the coding strand, the reverse complement: ABCA4 is on the minus strand); the first of 2 consecutive C bases (chr1:94,048,898-94,048,899); deleting either gives the same sequence. VCF-style (leftmost placement, unchanged base first): chr1-94048897-TC-T. GRCh37 (hg19) VCF-style: chr1-94514453-TC-T.
Other names: c.2490delG, p.Glu831Argfs (NM_001425324.1); short protein forms E905fs.
Identifiers: ClinVar variation 224755 (VCV000224755.16), dbSNP rs869312184, ClinGen allele CA353614.